The following is an entry in ClinVar:

ClinVar aggregate classification (germline): Uncertain significance (1 of 4 stars; one submission).

Conditions:
Congenital disorder of glycosylation type Ir (CDG1R). Also called: DDOST-congenital disorder of glycosylation. Identifiers: Orphanet 300536, MedGen C3281084, MONDO:0013789, OMIM 614507.

Submission:

Labcorp Genetics (formerly Invitae), Labcorp
Classification: Uncertain significance for Congenital disorder of glycosylation type Ir. Last evaluated: 2024-02-24. Review status: criteria provided, single submitter. Criteria: Invitae Variant Classification Sherloc (09022015). Collection method: clinical testing. Allele origin: germline.
Comment: This variant, c.908_910del, results in the deletion of 1 amino acid(s) of the DDOST protein (p.Glu303del), but otherwise preserves the integrity of the reading frame. This variant is present in population databases (no rsID available, gnomAD 0.006%). This variant has not been reported in the literature in individuals affected with DDOST-related conditions. Experimental studies and prediction algorithms are not available or were not evaluated, and the functional significance of this variant is currently unknown. In summary, the available evidence is currently insufficient to determine the role of this variant in disease. Therefore, it has been classified as a Variant of Uncertain Significance.

NM_005216.5(DDOST):c.851AGG[2] (p.Glu286del)

Gene: DDOST (dolichyl-diphosphooligosaccharide--protein glycosyltransferase non-catalytic subunit; minus strand). Cytogenetic location: 1p36.12.
Variant type: Microsatellite.
Coding change: c.851AGG[2] on transcript NM_005216.5 (MANE Select); two copies in a row of the 3-base unit AGG starting at c.851; the reference has three copies in a row; one copy, 3 bases deleted.
Protein change: p.Glu286del; deletes glutamic acid 286.
Molecular consequence: inframe deletion.
Genome position (GRCh38, 1-based): chr1:20,653,710-20,653,712, CCT deleted on the plus strand (AGG on the coding strand, the reverse complement: DDOST is on the minus strand); deleting any 3 consecutive bases within chr1:20,653,710-20,653,718 gives the same sequence; the position shown is the placement nearest the transcript's 3' end. VCF-style (leftmost placement, unchanged base first): chr1-20653709-CCCT-C. GRCh37 (hg19) VCF-style: chr1-20980202-CCCT-C.
Other names: short protein forms E286del.
Identifiers: ClinVar variation 1413206 (VCV001413206.6), dbSNP rs1557571295, ClinGen allele CA521544388.